The following is an entry in ClinVar:

NM_000048.4(ASL):c.1251C>G (p.Ser417Arg)

Gene: ASL (argininosuccinate lyase; plus strand). Cytogenetic location: 7q11.21.
Variant type: single nucleotide variant.
Coding change: c.1251C>G on transcript NM_000048.4 (MANE Select); coding-DNA position 1251, C replaced by G.
Protein change: p.Ser417Arg; replaces serine 417 with arginine.
Molecular consequence: missense variant.
Genome position (GRCh38, 1-based): chr7:66,092,768, C>G. VCF-style: chr7-66092768-C-G. GRCh37 (hg19) VCF-style: chr7-65557755-C-G.
Other names: c.1251C>G, p.Ser417Arg (NM_001024943.2); c.1191C>G, p.Ser397Arg (NM_001024944.2); c.1173C>G, p.Ser391Arg (NM_001024946.2); short protein forms S391R, S397R, S417R.
Identifiers: ClinVar variation 4689565 (VCV004689565.1).

ClinVar aggregate classification (germline): Uncertain significance (1 of 4 stars; one submission).

gnomAD v4.1: 1 of 1,613,740 alleles (0.000062%); highest among the groups gnomAD compares: Non-Finnish European, 0.000085%; no homozygotes.

Submission:

Women's Health and Genetics/Laboratory Corporation of America, LabCorp
Classification: Uncertain significance. Last evaluated: 2026-01-07. Review status: criteria provided, single submitter. Criteria: LabCorp Variant Classification Summary - May 2015. Collection method: clinical testing. Allele origin: germline.
Comment: Variant summary: ASL c.1251C>G (p.Ser417Arg) results in a non-conservative amino acid change in the encoded protein sequence. Algorithms developed to predict the effect of missense changes on protein structure and function all suggest that this variant is likely to be disruptive. Consensus agreement among computation tools predict no significant impact on normal splicing. However, these predictions have yet to be confirmed by functional studies. The variant was absent in 250964 control chromosomes. The available data on variant occurrences in the general population are insufficient to allow any conclusion about variant significance. To our knowledge, no occurrence of c.1251C>G in individuals affected with ASL-related conditions and no experimental evidence demonstrating its impact on protein function have been reported. No submitters have cited clinical-significance assessments for this variant to ClinVar. Based on the evidence outlined above, the variant was classified as uncertain significance.